The following is an entry in ClinVar:

NM_024426.6(WT1):c.1085A>G (p.His362Arg)

Gene: WT1 (WT1 transcription factor; minus strand). Cytogenetic location: 11p13.
Variant type: single nucleotide variant.
Coding change: c.1085A>G on transcript NM_024426.6 (MANE Select); coding-DNA position 1085, A replaced by G.
Protein change: p.His362Arg; replaces histidine 362 with arginine.
Molecular consequence: missense variant. On other transcripts: 5 prime UTR variant (1), non-coding transcript variant (2).
Genome position (GRCh38, 1-based): chr11:32,399,976, T>C on the plus strand (A>G on the coding strand, the complement: WT1 is on the minus strand). VCF-style: chr11-32399976-T-C. GRCh37 (hg19) VCF-style: chr11-32421522-T-C.
Other names: c.1034A>G, p.His345Arg (NM_000378.6, NM_001407045.1, NM_001407048.1 and 1 more transcripts); c.434A>G, p.His145Arg (NM_001198551.2); c.383A>G, p.His128Arg (NM_001198552.2); c.-104A>G (NM_001367854.1); c.1079A>G, p.His360Arg (NM_001407044.1); c.1085A>G, p.His362Arg (NM_001407046.1, NM_024424.5); c.962A>G, p.His321Arg (NM_001407047.1); c.911A>G, p.His304Arg (NM_001407050.1); and 3 more; short protein forms H108R, H128R, H145R, H272R, H289R, H304R, H321R, H345R.
Identifiers: ClinVar variation 3343604 (VCV003343604.2).
Genomic context (GRCh38, chr11:32,399,976, plus strand): 5'-CCCTTCCCGCTGGGGCCTGTCTGTGTGCTCACCTGAATGCCTCTGAAGACACCGTGCGTG[T>C]GTATTCTGTATTGGGCTCCGCAGAGGATGGGCGTTGTGTGGTTATCGCTCTCGTACCCTG-3'
Protein context (NP_077744.4, residues 352-372): PILCGAQYRI[His362Arg]THGVFRGIQD

ClinVar aggregate classification (germline): Uncertain significance. Review status: criteria provided, multiple submitters, no conflicts (2 of 4 stars). 2 submissions from 2 submitters: Uncertain significance (2). Last evaluated 2026-07-06.

Conditions:
Inborn genetic diseases. Identifiers: MedGen C0950123, MeSH D030342.

Submissions (2):

Ambry Genetics
Classification: Uncertain significance for Inborn genetic diseases. Last evaluated: 2026-07-06. Review status: criteria provided, single submitter. Criteria: Ambry Variant Classification Scheme 2023. Collection method: clinical testing. Allele origin: germline.
Comment: The p.H357R variant (also known as c.1070A>G), located in coding exon 6 of the WT1 gene, results from an A to G substitution at nucleotide position 1070. The histidine at codon 357 is replaced by arginine, an amino acid with highly similar properties. This amino acid position is conserved. In addition, this alteration is predicted to be deleterious by in silico analysis. Based on the available evidence, the clinical significance of this variant remains unclear.

GeneDx
Classification: Uncertain significance. Last evaluated: 2023-05-19. Review status: criteria provided, single submitter. Criteria: GeneDx Variant Classification Process June 2021. Collection method: clinical testing. Allele origin: germline. Affected: yes.
Comment: Not observed at significant frequency in large population cohorts (gnomAD); In silico analysis supports that this missense variant has a deleterious effect on protein structure/function; Has not been previously published as pathogenic or benign to our knowledge; Also known as c.1085A>G p.(H362R)